The following is an entry in ClinVar:

ClinVar aggregate classification (germline): Pathogenic (1 of 4 stars; one submission).

Conditions:
Early-infantile DEE. Also called: Early infantile epileptic encephalopathy; Ohtahara syndrome; Early infantile epileptic encephalopathy with suppression bursts. Identifiers: Orphanet 1934, MedGen C0393706, MONDO:0800491.

Submission:

Labcorp Genetics (formerly Invitae), Labcorp
Classification: Pathogenic for Early-infantile DEE. Last evaluated: 2019-08-13. Review status: criteria provided, single submitter. Criteria: Invitae Variant Classification Sherloc (09022015). Collection method: clinical testing. Allele origin: germline.
Comment: This sequence change creates a premature translational stop signal (p.His614Thrfs*9) in the SCN1A gene. It is expected to result in an absent or disrupted protein product. This variant is not present in population databases (ExAC no frequency). This variant has not been reported in the literature in individuals with SCN1A-related conditions. Loss-of-function variants in SCN1A are known to be pathogenic (PMID: 17347258, 18930999). For these reasons, this variant has been classified as Pathogenic.

Literature cited by the submitters: PubMed 17347258; PubMed 18930999.

NM_001165963.4(SCN1A):c.1839del (p.His614fs)

Gene: SCN1A (sodium voltage-gated channel alpha subunit 1; minus strand). Cytogenetic location: 2q24.3.
Variant type: Deletion.
Coding change: c.1839del on transcript NM_001165963.4 (MANE Select); coding-DNA position 1839, one base deleted (A; older notation c.1839delA).
Protein change: p.His614fs; shifts the reading frame from histidine 614.
Molecular consequence: frameshift variant. On other transcripts: 5 prime UTR variant (1), non-coding transcript variant (1).
Genome position (GRCh38, 1-based): chr2:166,043,873, T deleted on the plus strand (A on the coding strand, the reverse complement: SCN1A is on the minus strand). VCF-style (leftmost placement, unchanged base first): chr2-166043872-GT-G. GRCh37 (hg19) VCF-style: chr2-166900382-GT-G.
Other names: c.1839del, p.His614fs (NM_001353950.2, NM_001353951.2, NM_001353952.2 and 7 more transcripts); c.1836del, p.His613fs (NM_001353954.2, NM_001353955.2, NM_001353960.2); c.-587del (NM_001353961.2); short protein forms H613fs, H614fs.
Identifiers: ClinVar variation 960428 (VCV000960428.8), dbSNP rs1697458345, ClinGen allele CA1139655647.
Genomic context (GRCh38, chr2:166,043,872, plus strand): 5'-CTGCCAGCATCCGGGATGACCTACTGGTCTGACTCAGGTTGCTGTTGCGTCTCTCTCCGT[GT>G]CGTCGGGGCACAAACAAGGAATCTCTACGGCTCTCGTTATCCTCAAAGGTGCTGTGCTCA-3'